The following is an entry in ClinVar:

NM_012154.5(AGO2):c.337-3C>A

Gene: AGO2 (argonaute RISC catalytic component 2; minus strand). Cytogenetic location: 8q24.3.
Variant type: single nucleotide variant.
Coding change: c.337-3C>A on transcript NM_012154.5 (MANE Select); 3 bases into the intron before coding-DNA position 337, C replaced by A.
Molecular consequence: intron variant.
Genome position (GRCh38, 1-based): chr8:140,562,637, G>T on the plus strand (C>A on the coding strand, the complement: AGO2 is on the minus strand). VCF-style: chr8-140562637-G-T. GRCh37 (hg19) VCF-style: chr8-141572736-G-T.
Other names: c.337-3C>A (NM_001164623.3).
Identifiers: ClinVar variation 3354638 (VCV003354638.1).

ClinVar aggregate classification (germline): Likely benign (0 of 4 stars; one submission).

Conditions:
AGO2-related disorder. Also called: AGO2-related condition.

gnomAD v4.1: 10 of 1,612,696 alleles (0.00062%); highest among the groups gnomAD compares: African/African-American, 0.0013%; no homozygotes.

Submission:

PreventionGenetics, part of Exact Sciences
Classification: Likely benign for AGO2-related condition. Last evaluated: 2024-07-25. Review status: no assertion criteria provided. Collection method: clinical testing. Allele origin: germline.
Comment: This variant is classified as likely benign based on ACMG/AMP sequence variant interpretation guidelines (Richards et al. 2015 PMID: 25741868, with internal and published modifications).